The following is an entry in ClinVar:

NM_014797.3(ZBTB24):c.1204+5G>A

Gene: ZBTB24 (zinc finger and BTB domain containing 24; minus strand). Cytogenetic location: 6q21.
Variant type: single nucleotide variant.
Coding change: c.1204+5G>A on transcript NM_014797.3 (MANE Select); 5 bases into the intron after coding-DNA position 1204, G replaced by A.
Molecular consequence: intron variant.
Genome position (GRCh38, 1-based): chr6:109,476,170, C>T on the plus strand (G>A on the coding strand, the complement: ZBTB24 is on the minus strand). VCF-style: chr6-109476170-C-T. GRCh37 (hg19) VCF-style: chr6-109797373-C-T.
Identifiers: ClinVar variation 539540 (VCV000539540.17), dbSNP rs80351559, ClinGen allele CA3954162.

ClinVar aggregate classification (germline): Benign/Likely benign. Review status: criteria provided, multiple submitters, no conflicts (2 of 4 stars). 4 submissions from 4 submitters: Benign (1); Likely benign (2). 1 of the submissions does not count toward it. Last evaluated 2026-01-26.

Conditions:
ZBTB24-related disorder. Also called: ZBTB24-related condition.
Immunodeficiency-centromeric instability-facial anomalies syndrome 2 (ICF2). Identifiers: Orphanet 2268, MedGen C3279748, MONDO:0013553, OMIM 614069.

Allele frequency attached by ClinVar (database versions not stated): 1000 Genomes Project 0.00080; gnomAD exomes 0.00081 and 0.00028; ExAC 0.00083; gnomAD 0.00029 and 0.00031; ESP Exome Variant Server 0.00008; TOPMed 0.00042; 1000 Genomes Project 30x 0.00062.
gnomAD v4.1: 471 of 1,613,460 alleles (0.029%); highest among the groups gnomAD compares: East Asian, 0.78%; 3 homozygotes.

Submissions (7):

Labcorp Genetics (formerly Invitae), Labcorp
Classification: Benign for Immunodeficiency-centromeric instability-facial anomalies syndrome 2. Last evaluated: 2026-01-26. Review status: criteria provided, single submitter. Criteria: Invitae Variant Classification Sherloc (09022015). Collection method: clinical testing. Allele origin: germline.

Mayo Clinic Laboratories, Mayo Clinic
Classification: Likely benign. Last evaluated: 2025-09-23. Review status: criteria provided, single submitter. Criteria: ACMG Guidelines, 2015. Collection method: clinical testing. Allele origin: germline. Observed: 1 variant allele.
Comment: BS1, BP4

Blueprint Genetics
Classification: Likely benign. Last evaluated: 2024-10-08. Review status: criteria provided, single submitter. Criteria: ACMG Guidelines, 2015. Collection method: clinical testing. Allele origin: germline.

PreventionGenetics, part of Exact Sciences
Classification: Benign for ZBTB24-related condition. Last evaluated: 2019-07-18. Review status: no assertion criteria provided. Collection method: clinical testing. Allele origin: germline. Not counted in ClinVar's aggregate classification.
Comment: This variant is classified as benign based on ACMG/AMP sequence variant interpretation guidelines (Richards et al. 2015 PMID: 25741868, with internal and published modifications).

Dr. Peter K. Rogan Lab, Western University
No classification provided (evidence only). Condition: Gastric cancer. Review status: no classification provided. Collection method: in vitro. Allele origin: not applicable. Functional consequence: retained intron. Not counted in ClinVar's aggregate classification.

Dr. Peter K. Rogan Lab, Western University
No classification provided (evidence only). Condition: Gastric cancer. Review status: no classification provided. Collection method: in vitro. Allele origin: not applicable. Functional consequence: retained intron. Not counted in ClinVar's aggregate classification.

Dr. Peter K. Rogan Lab, Western University
No classification provided (evidence only). Condition: Familial pancreatic carcinoma. Review status: no classification provided. Collection method: in vitro. Allele origin: not applicable. Functional consequence: retained intron. Not counted in ClinVar's aggregate classification.